The following is an entry in ClinVar:

ClinVar aggregate classification (germline): Uncertain significance (1 of 4 stars; one submission).

Conditions:
Kabuki syndrome. Also called: NIIKAWA-KUROKI SYNDROME; Kabuki make-up syndrome. Identifiers: Orphanet 2322, MedGen C0796004, MONDO:0016512.

gnomAD v4.1: 3 of 1,613,506 alleles (0.00019%); highest among the groups gnomAD compares: Non-Finnish European, 0.00025%; no homozygotes.

Submission:

Labcorp Genetics (formerly Invitae), Labcorp
Classification: Uncertain significance for Kabuki syndrome. Last evaluated: 2025-08-13. Review status: criteria provided, single submitter. Criteria: Invitae Variant Classification Sherloc (09022015). Collection method: clinical testing. Allele origin: germline.
Comment: This sequence change replaces proline, which is neutral and non-polar, with serine, which is neutral and polar, at codon 547 of the KMT2D protein (p.Pro547Ser). This variant is not present in population databases (gnomAD no frequency). This variant has not been reported in the literature in individuals affected with KMT2D-related conditions. Invitae Evidence Modeling of protein sequence and biophysical properties (such as structural, functional, and spatial information, amino acid conservation, physicochemical variation, residue mobility, and thermodynamic stability) indicates that this missense variant is not expected to disrupt KMT2D protein function with a negative predictive value of 95%. In summary, the available evidence is currently insufficient to determine the role of this variant in disease. Therefore, it has been classified as a Variant of Uncertain Significance.

NM_003482.4(KMT2D):c.1639C>T (p.Pro547Ser)

Gene: KMT2D (lysine methyltransferase 2D; minus strand). Cytogenetic location: 12q13.12.
Variant type: single nucleotide variant.
Coding change: c.1639C>T on transcript NM_003482.4 (MANE Select); coding-DNA position 1639, C replaced by T.
Protein change: p.Pro547Ser; replaces proline 547 with serine.
Molecular consequence: missense variant.
Genome position (GRCh38, 1-based): chr12:49,052,044, G>A on the plus strand (C>T on the coding strand, the complement: KMT2D is on the minus strand). VCF-style: chr12-49052044-G-A. GRCh37 (hg19) VCF-style: chr12-49445827-G-A.
Other names: short protein forms P547S.
Identifiers: ClinVar variation 4799695 (VCV004799695.1).